The following is an entry in ClinVar:

NM_021803.4(IL21):c.273C>A (p.Asn91Lys)

Gene: IL21 (interleukin 21; minus strand). Cytogenetic location: 4q27.
Variant type: single nucleotide variant.
Coding change: c.273C>A on transcript NM_021803.4 (MANE Select); coding-DNA position 273, C replaced by A.
Protein change: p.Asn91Lys; replaces asparagine 91 with lysine.
Molecular consequence: missense variant.
Genome position (GRCh38, 1-based): chr4:122,615,769, G>T on the plus strand (C>A on the coding strand, the complement: IL21 is on the minus strand). VCF-style: chr4-122615769-G-T. GRCh37 (hg19) VCF-style: chr4-123536924-G-T.
Other names: c.273C>A, p.Asn91Lys (NM_001207006.3); short protein forms N91K.
Identifiers: ClinVar variation 953596 (VCV000953596.6), dbSNP rs769681970, ClinGen allele CA3069138.
Genomic context (GRCh38, chr4:122,615,769, plus strand): 5'-ATTTGTGGAAGGTGGTTTCCTCTTCAGCTTTTTAATTGATACATTGATTATCCTTTCATT[G>T]TTTCCTGTATTTGCTGACTTTAGTTGGGCCTTCTGAAAGCAGGAAAAAGCTGACCACTCA-3'
Protein context (NP_068575.1, residues 81-101): KAQLKSANTG[Asn91Lys]NERIINVSIK

ClinVar aggregate classification (germline): Uncertain significance (1 of 4 stars; one submission).

Allele frequency attached by ClinVar (database versions not stated): TOPMed below 0.00001; ExAC 0.00002; gnomAD exomes 0.00002 and 0.00003.

Submission:

Labcorp Genetics (formerly Invitae), Labcorp
Classification: Uncertain significance. Last evaluated: 2025-04-29. Review status: criteria provided, single submitter. Criteria: Invitae Variant Classification Sherloc (09022015). Collection method: clinical testing. Allele origin: germline.
Comment: This sequence change replaces asparagine, which is neutral and polar, with lysine, which is basic and polar, at codon 91 of the IL21 protein (p.Asn91Lys). This variant is present in population databases (rs769681970, gnomAD 0.03%). This variant has not been reported in the literature in individuals affected with IL21-related conditions. ClinVar contains an entry for this variant (Variation ID: 953596). An algorithm developed to predict the effect of missense changes on protein structure and function (PolyPhen-2) suggests that this variant is likely to be tolerated. In summary, the available evidence is currently insufficient to determine the role of this variant in disease. Therefore, it has been classified as a Variant of Uncertain Significance.